The following is an entry in ClinVar:

NM_020366.4(RPGRIP1):c.1078-4T>G

Gene: RPGRIP1 (RPGR interacting protein 1; plus strand). Cytogenetic location: 14q11.2.
Variant type: single nucleotide variant.
Coding change: c.1078-4T>G on transcript NM_020366.4 (MANE Select); 4 bases into the intron before coding-DNA position 1078, T replaced by G.
Molecular consequence: intron variant.
Genome position (GRCh38, 1-based): chr14:21,312,429, T>G. VCF-style: chr14-21312429-T-G. GRCh37 (hg19) VCF-style: chr14-21780588-T-G.
Identifiers: ClinVar variation 965962 (VCV000965962.6), dbSNP rs548990299, ClinGen allele CA7088864.

ClinVar aggregate classification (germline): Uncertain significance. Review status: criteria provided, multiple submitters, no conflicts (2 of 4 stars). 2 submissions from 2 submitters: Uncertain significance (2). Last evaluated 2024-09-17.

Conditions:
Cone-rod dystrophy 13 (CORD13). Identifiers: Orphanet 1872, MedGen C2750720, MONDO:0011987, OMIM 608194.
Leber congenital amaurosis 6 (LCA6). Identifiers: Orphanet 65, MedGen C1854260, MONDO:0013446, OMIM 613826.

Allele frequency attached by ClinVar (database versions not stated): TOPMed below 0.00001; gnomAD 0.00001 and 0.00002; gnomAD exomes 0.00001 and 0.00002; ExAC 0.00002.
gnomAD v4.1: 20 of 1,598,110 alleles (0.0013%); highest among the groups gnomAD compares: East Asian, 0.0045%; no homozygotes.

Submissions (2):

Blueprint Genetics
Classification: Uncertain significance. Last evaluated: 2024-09-17. Review status: criteria provided, single submitter. Criteria: ACMG Guidelines, 2015. Collection method: clinical testing. Allele origin: germline.

Labcorp Genetics (formerly Invitae), Labcorp
Classification: Uncertain significance for Leber congenital amaurosis 6; Cone-rod dystrophy 13. Last evaluated: 2023-03-23. Review status: criteria provided, single submitter. Criteria: Invitae Variant Classification Sherloc (09022015). Collection method: clinical testing. Allele origin: germline.
Comment: ClinVar contains an entry for this variant (Variation ID: 965962). This variant has not been reported in the literature in individuals affected with RPGRIP1-related conditions. This variant is present in population databases (rs548990299, gnomAD 0.003%). This sequence change falls in intron 8 of the RPGRIP1 gene. It does not directly change the encoded amino acid sequence of the RPGRIP1 protein. Algorithms developed to predict the effect of sequence changes on RNA splicing suggest that this variant may disrupt the consensus splice site. In summary, the available evidence is currently insufficient to determine the role of this variant in disease. Therefore, it has been classified as a Variant of Uncertain Significance.